The following is an entry in ClinVar:

ClinVar aggregate classification (germline): Uncertain significance (1 of 4 stars; one submission).

Submission:

Ambry Genetics
Classification: Uncertain significance. Last evaluated: 2021-08-07. Review status: criteria provided, single submitter. Criteria: Ambry Variant Classification Scheme 2023. Collection method: clinical testing. Allele origin: germline.
Comment: The p.A17S variant (also known as c.49G>T), located in coding exon 1 of the FAM175A gene, results from a G to T substitution at nucleotide position 49. The alanine at codon 17 is replaced by serine, an amino acid with similar properties. This amino acid position is conserved. In addition, this alteration is predicted to be tolerated by in silico analysis. Since supporting evidence is limited at this time, the clinical significance of this alteration remains unclear.

NM_139076.3(ABRAXAS1):c.49G>T (p.Ala17Ser)

Genes: ABRAXAS1 (abraxas 1, BRCA1 A complex subunit; minus strand), LOC129992784 (ATAC-STARR-seq lymphoblastoid silent region 15542; plus strand). Cytogenetic location: 4q21.23.
Variant type: single nucleotide variant.
Coding change: c.49G>T on transcript NM_139076.3 (MANE Select); coding-DNA position 49, G replaced by T.
Protein change: p.Ala17Ser; replaces alanine 17 with serine.
Molecular consequence: missense variant. On other transcripts: 5 prime UTR variant (1).
Genome position (GRCh38, 1-based): chr4:83,485,024, C>A on the plus strand (G>T on the coding strand, the complement: ABRAXAS1 is on the minus strand). VCF-style: chr4-83485024-C-A. GRCh37 (hg19) VCF-style: chr4-84406177-C-A.
Other names: c.-212G>T (NM_001345962.2); short protein forms A17S.
Identifiers: ClinVar variation 1799722 (VCV001799722.2), dbSNP rs1319265266, ClinGen allele CA357263988.